The following is an entry in ClinVar:

NM_001395656.1(ROBO2):c.2481A>G (p.Gly827=)

Gene: ROBO2 (roundabout guidance receptor 2; plus strand). Cytogenetic location: 3p12.3.
Variant type: single nucleotide variant.
Coding change: c.2481A>G on transcript NM_001395656.1 (MANE Select); coding-DNA position 2481, A replaced by G.
Protein change: p.Gly827=; no amino-acid change (glycine 827 retained).
Molecular consequence: synonymous variant.
Genome position (GRCh38, 1-based): chr3:77,580,087, A>G. VCF-style: chr3-77580087-A-G. GRCh37 (hg19) VCF-style: chr3-77629238-A-G.
Other names: c.2517A>G, p.Gly839= (NM_001128929.3); c.2481A>G, p.Gly827= (NM_001290039.2, NM_001290040.2, NM_001378202.1); c.690A>G, p.Gly230= (NM_001290065.2); c.2529A>G, p.Gly843= (NM_001378190.1, NM_001378191.1, NM_001378195.1 and 4 more transcripts); c.2550A>G, p.Gly850= (NM_001378192.1, NM_001378194.1, NM_001378198.1 and 2 more transcripts); c.2469A>G, p.Gly823= (NM_001378193.1, NM_001378197.1, NM_002942.5); c.2538A>G, p.Gly846= (NM_001394212.1, NM_001394214.1, NM_001395657.1).
Identifiers: ClinVar variation 2957438 (VCV002957438.3), dbSNP rs1417866325, ClinGen allele CA434435968.

ClinVar aggregate classification (germline): Uncertain significance (1 of 4 stars; one submission).

gnomAD v4.1: 1 of 1,613,820 alleles (0.000062%); highest among the groups gnomAD compares: Admixed American, 0.0017%; no homozygotes.

Submission:

Labcorp Genetics (formerly Invitae), Labcorp
Classification: Uncertain significance. Last evaluated: 2025-08-15. Review status: criteria provided, single submitter. Criteria: Invitae Variant Classification Sherloc (09022015). Collection method: clinical testing. Allele origin: germline.
Comment: This sequence change affects codon 823 of the ROBO2 mRNA. It is a 'silent' change, meaning that it does not change the encoded amino acid sequence of the ROBO2 protein. This variant is present in population databases (no rsID available, gnomAD 0.003%). This variant has not been reported in the literature in individuals affected with ROBO2-related conditions. ClinVar contains an entry for this variant (Variation ID: 2957438). Algorithms developed to predict the effect of sequence changes on RNA splicing suggest that this variant may create or strengthen a splice site. In summary, the available evidence is currently insufficient to determine the role of this variant in disease. Therefore, it has been classified as a Variant of Uncertain Significance.